The following is an entry in ClinVar:

ClinVar aggregate classification (germline): Uncertain significance (1 of 4 stars; one submission).

Submission:

Ambry Genetics
Classification: Uncertain significance. Last evaluated: 2025-04-18. Review status: criteria provided, single submitter. Criteria: Ambry Variant Classification Scheme 2023. Collection method: clinical testing. Allele origin: germline.
Comment: The c.693_696delGGTTinsTAA variant, located in coding exon 5 of the ATRIP gene, results from the deletion of 4 nucleotides and insertion of 3 nucleotides causing a translational frameshift with a predicted alternate stop codon (p.V232Kfs*2). This alteration is expected to result in loss of function by premature protein truncation or nonsense-mediated mRNA decay. The evidence for this gene-disease relationship is limited; therefore, the clinical significance of this alteration is unclear.

NM_130384.3(ATRIP):c.693_696delinsTAA (p.Val232fs)

Genes: ATRIP (ATR interacting protein; plus strand), ATRIP-TREX1 (ATRIP-TREX1 readthrough; plus strand). Cytogenetic location: 3p21.31.
Variant type: Indel.
Coding change: c.693_696delinsTAA on transcript NM_130384.3 (MANE Select); coding-DNA positions 693 to 696, GGTT replaced by TAA.
Protein change: p.Val232fs; shifts the reading frame from valine 232.
Molecular consequence: frameshift variant. On other transcripts: non-coding transcript variant (1).
Genome position (GRCh38, 1-based): chr3:48,457,280-48,457,283, GGTT replaced by TAA. VCF-style: chr3-48457280-GGTT-TAA. GRCh37 (hg19) VCF-style: chr3-48498680-GGTT-TAA.
Other names: c.312_315delinsTAA, p.Val105fs (NM_001271022.2); c.414_417delinsTAA, p.Val139fs (NM_001271023.2); c.693_696delinsTAA, p.Val232fs (NM_032166.4); short protein forms V139fs, V105fs, V232fs.
Identifiers: ClinVar variation 3976146 (VCV003976146.1).